The following is an entry in ClinVar:

NM_001113378.2(FANCI):c.2708G>T (p.Ser903Ile)

Gene: FANCI (FA complementation group I; plus strand). Cytogenetic location: 15q26.1.
Variant type: single nucleotide variant.
Coding change: c.2708G>T on transcript NM_001113378.2 (MANE Select); coding-DNA position 2708, G replaced by T.
Protein change: p.Ser903Ile; replaces serine 903 with isoleucine.
Molecular consequence: missense variant.
Genome position (GRCh38, 1-based): chr15:89,299,871, G>T. VCF-style: chr15-89299871-G-T. GRCh37 (hg19) VCF-style: chr15-89843102-G-T.
Other names: c.2429G>T, p.Ser810Ile (NM_001376910.1); c.2708G>T, p.Ser903Ile (NM_001376911.1); c.2528G>T, p.Ser843Ile (NM_018193.3); short protein forms S810I, S903I, S843I.
Identifiers: ClinVar variation 1038314 (VCV001038314.6), dbSNP rs1421890045, ClinGen allele CA393736808.

ClinVar aggregate classification (germline): Uncertain significance (1 of 4 stars; one submission).

Conditions:
Fanconi anemia (FA). Also called: Fanconi's anemia. Identifiers: Orphanet 84, MedGen C0015625, MeSH D005199, MONDO:0019391.

gnomAD v4.1: 1 of 1,614,040 alleles (0.000062%); highest among the groups gnomAD compares: Non-Finnish European, 0.000085%; no homozygotes.

Submission:

Labcorp Genetics (formerly Invitae), Labcorp
Classification: Uncertain significance for Fanconi anemia. Last evaluated: 2021-08-26. Review status: criteria provided, single submitter. Criteria: Invitae Variant Classification Sherloc (09022015). Collection method: clinical testing. Allele origin: germline.
Comment: This sequence change replaces serine with isoleucine at codon 903 of the FANCI protein (p.Ser903Ile). The serine residue is highly conserved and there is a large physicochemical difference between serine and isoleucine. This variant is not present in population databases (ExAC no frequency). This variant has not been reported in the literature in individuals affected with FANCI-related conditions. Algorithms developed to predict the effect of missense changes on protein structure and function are either unavailable or do not agree on the potential impact of this missense change (SIFT: "Deleterious"; PolyPhen-2: "Benign"; Align-GVGD: "Class C0"). In summary, the available evidence is currently insufficient to determine the role of this variant in disease. Therefore, it has been classified as a Variant of Uncertain Significance.